The following is an entry in ClinVar:

NM_000261.2(MYOC):c.608C>T (p.Ser203Phe)

Gene: MYOC (myocilin; minus strand). Cytogenetic location: 1q24.3.
Variant type: single nucleotide variant.
Coding change: c.608C>T on transcript NM_000261.2 (MANE Select); coding-DNA position 608, C replaced by T.
Protein change: p.Ser203Phe; replaces serine 203 with phenylalanine.
Molecular consequence: missense variant.
Genome position (GRCh38, 1-based): chr1:171,638,719, G>A on the plus strand (C>T on the coding strand, the complement: MYOC is on the minus strand). VCF-style: chr1-171638719-G-A. GRCh37 (hg19) VCF-style: chr1-171607859-G-A.
Other names: NM_000261.2:c.608C>T; short protein forms S203F.
Identifiers: ClinVar variation 1342208 (VCV001342208.6), dbSNP rs2102945654, ClinGen allele CA343727142.

ClinVar aggregate classification (germline): Uncertain significance (3 of 4 stars; one submission).

Conditions:
Open-angle glaucoma. Identifiers: MedGen C0017612, MONDO:0005338, HP:0012108.

Allele frequency attached by ClinVar (database versions not stated): gnomAD exomes below 0.00001.
gnomAD v4.1: 1 of 1,614,040 alleles (0.000062%); highest among the groups gnomAD compares: Non-Finnish European, 0.000085%; no homozygotes.

Submission:

ClinGen Glaucoma Variant Curation Expert Panel
Classification: Uncertain significance for Open-angle glaucoma. Last evaluated: 2025-12-03. Review status: reviewed by expert panel. Criteria: ClinGen Glaucoma ACMG Specifications V2.0.0 Approved. Collection method: curation. Allele origin: germline. Inheritance: Autosomal dominant inheritance.
Comment: The c.608C>T variant in MYOC is a missense variant predicted to cause substitution of Serine by Phenylalanine at amino acid 203 (p.Ser203Phe). The highest minor allele frequency of this variant was in the European (non-Finnish) genetic ancestry group of gnomAD (v4.1.0) = 0.00000085 (1 allele out of 1,179,946), which met the ≤ 0.0001 threshold set for PM2_Supporting in a genetic ancestry group of at least 10,000 alleles. The REVEL score = 0.344, which was neither above nor below the thresholds for PP3 (≥ 0.644) or BP4 (≤ 0.290), predicting a damaging or benign impact on MYOC function.The Ser203Phe protein had similar secretion levels to wild type myocilin protein in this study (PMID: 16466712). The assay met the OddsPath threshold for BS3_Moderate (< 0.23), indicating that this variant did not impact protein function. This variant has not yet been identified in a proband with juvenile or primary open angle glaucoma, only in participants of the control cohorts. In summary, this variant met the criteria to receive a score of -1 and to be classified as a variant of uncertain significance (uncertain significance classification range -1 to 5, adapted from PMID: 32720330) for primary open angle glaucoma based on the ACMG/AMP criteria met, as specified by the ClinGen Glaucoma VCEP (v2.0.0, 5 Dec 2024): BS3_Moderate, PM2_Supporting

Literature cited by the submitters: PubMed 16466712.